The following is an entry in ClinVar:

ClinVar aggregate classification (germline): Uncertain significance. Review status: criteria provided, multiple submitters, no conflicts (2 of 4 stars). 2 submissions from 2 submitters: Uncertain significance (2). Last evaluated 2022-02-11.

Conditions:
Congenital myasthenic syndrome 5. Identifiers: Orphanet 590, MedGen C1864233, MONDO:0011281, OMIM 603034.

Submissions (2):

Baylor Genetics
Classification: Uncertain significance for Congenital myasthenic syndrome 5. Last evaluated: 2022-02-11. Review status: criteria provided, single submitter. Criteria: ACMG Guidelines, 2015. Collection method: clinical testing. Allele origin: unknown.

Labcorp Genetics (formerly Invitae), Labcorp
Classification: Uncertain significance for Congenital myasthenic syndrome 5. Last evaluated: 2021-08-31. Review status: criteria provided, single submitter. Criteria: Invitae Variant Classification Sherloc (09022015). Collection method: clinical testing. Allele origin: germline.
Comment: In summary, the available evidence is currently insufficient to determine the role of this variant in disease. Therefore, it has been classified as a Variant of Uncertain Significance. Algorithms developed to predict the effect of missense changes on protein structure and function are either unavailable or do not agree on the potential impact of this missense change (SIFT: "Tolerated"; PolyPhen-2: "Not Available"; Align-GVGD: "Class C0"). This variant has not been reported in the literature in individuals affected with COLQ-related conditions. This variant is not present in population databases (ExAC no frequency). This sequence change replaces proline with arginine at codon 278 of the COLQ protein (p.Pro278Arg). The proline residue is moderately conserved and there is a moderate physicochemical difference between proline and arginine.

NM_005677.4(COLQ):c.833C>G (p.Pro278Arg)

Gene: COLQ (collagen like tail subunit of asymmetric acetylcholinesterase; minus strand). Cytogenetic location: 3p25.1.
Variant type: single nucleotide variant.
Coding change: c.833C>G on transcript NM_005677.4 (MANE Select); coding-DNA position 833, C replaced by G.
Protein change: p.Pro278Arg; replaces proline 278 with arginine.
Molecular consequence: missense variant.
Genome position (GRCh38, 1-based): chr3:15,458,307, G>C on the plus strand (C>G on the coding strand, the complement: COLQ is on the minus strand). VCF-style: chr3-15458307-G-C. GRCh37 (hg19) VCF-style: chr3-15499814-G-C.
Other names: c.803C>G, p.Pro268Arg (NM_080538.2); c.731C>G, p.Pro244Arg (NM_080539.4); short protein forms P278R, P244R, P268R.
Identifiers: ClinVar variation 1480084 (VCV001480084.6), dbSNP rs1341977323, ClinGen allele CA351597442.